The following is an entry in ClinVar:

ClinVar aggregate classification (germline): Likely pathogenic (1 of 4 stars; one submission).

Conditions:
Cutis laxa with severe pulmonary, gastrointestinal and urinary anomalies. Also called: Cutis laxa, autosomal recessive, type IC; URBAN-RIFKIN-DAVIS SYNDROME; LTBP4-Related Cutis Laxa. Identifiers: Orphanet 221145, MedGen C2750804, MONDO:0013170, OMIM 613177. Disease mechanism: loss of function.

Submission:

Lifecell International Pvt. Ltd
Classification: Likely pathogenic for Cutis laxa with severe pulmonary, gastrointestinal and urinary anomalies. Review status: criteria provided, single submitter. Criteria: ACMG Guidelines, 2015. Collection method: clinical testing. Allele origin: germline. Inheritance: Autosomal recessive inheritance. Affected: yes. Observed: 1 homozygote.
Comment: A Homozygote Nonsense variant c.698T>A in Exon 6 of the LTBP4 gene that results in the amino acid substitution p.Leu233* was identified. The observed variant is novel in gnomAD exomes and genomes, respectively. The severity of the impact of this variant on the protein is high, based on the effect of the protein and REVEL score . Rare Exome Variant Ensemble Learner (REVEL) is an ensembl method for predicting the pathogenicity of missense variants based on a combination of scores from 13 individual tools: MutPred, FATHMM v2.3, VEST 3.0, PolyPhen-2, SIFT, PROVEAN, MutationAssessor, MutationTaster, LRT, GERP++, SiPhy, phyloP, and phastCons. The REVEL score for an individual missense variant can range from 0 to 1, with higher scores reflecting greater likelihood that the variant is disease-causing. Based on the above evidence this variant has been classified as Likely Pathogenic according to the ACMG guidelines.

NM_001042545.2(LTBP4):c.608T>A (p.Leu203Ter)

Gene: LTBP4 (latent transforming growth factor beta binding protein 4; plus strand). Cytogenetic location: 19q13.2.
Variant type: single nucleotide variant.
Coding change: c.608T>A on transcript NM_001042545.2 (MANE Select); coding-DNA position 608, T replaced by A.
Protein change: p.Leu203Ter; replaces leucine 203 with a stop codon.
Molecular consequence: nonsense.
Genome position (GRCh38, 1-based): chr19:40,605,570, T>A. VCF-style: chr19-40605570-T-A. GRCh37 (hg19) VCF-style: chr19-41111476-T-A.
Other names: c.809T>A, p.Leu270Ter (NM_001042544.1); c.698T>A, p.Leu233Ter (NM_003573.2); short protein forms L203*, L233*, L270*.
Identifiers: ClinVar variation 2498211 (VCV002498211.2), dbSNP rs2081454038, ClinGen allele CA405933437.
Genomic context (GRCh38, chr19:40,605,570, plus strand): 5'-AGGCGGTGGCGCGGGCGGAAGCGGCGGCGCGGGCGGAGGCGGCAGCGCCCTACACGGTGT[T>A]GGCACAGAGCGCGCCGCGGGAGGACGGCTACTCAGATGCCTCGGGCTTCGGTTACTGCTT-3'